The following is an entry in ClinVar:

ClinVar aggregate classification (germline): Uncertain significance (1 of 4 stars; one submission).

Conditions:
Hereditary cancer-predisposing syndrome. Also called: Hereditary neoplastic syndrome; Hereditary Cancer Syndrome; Neoplastic Syndromes, Hereditary; Tumor predisposition. Identifiers: Orphanet 140162, MedGen C0027672, MeSH D009386, MONDO:0015356.

Submission:

Ambry Genetics
Classification: Uncertain significance for Hereditary cancer-predisposing syndrome. Last evaluated: 2025-10-27. Review status: criteria provided, single submitter. Criteria: Ambry Variant Classification Scheme 2023. Collection method: clinical testing. Allele origin: germline.
Comment: The p.G467C variant (also known as c.1399G>T), located in coding exon 4 of the MSH6 gene, results from a G to T substitution at nucleotide position 1399. The glycine at codon 467 is replaced by cysteine, an amino acid with highly dissimilar properties. This amino acid position is well conserved in available vertebrate species. In addition, this alteration is predicted to be deleterious by in silico analysis. Based on the available evidence, the clinical significance of this variant remains unclear.

NM_000179.3(MSH6):c.1399G>T (p.Gly467Cys)

Gene: MSH6 (mutS homolog 6; plus strand). Cytogenetic location: 2p16.3.
Variant type: single nucleotide variant.
Coding change: c.1399G>T on transcript NM_000179.3 (MANE Select); coding-DNA position 1399, G replaced by T.
Protein change: p.Gly467Cys; replaces glycine 467 with cysteine.
Molecular consequence: missense variant. On other transcripts: non-coding transcript variant (4), intron variant (1).
Genome position (GRCh38, 1-based): chr2:47,799,382, G>T. VCF-style: chr2-47799382-G-T. GRCh37 (hg19) VCF-style: chr2-48026521-G-T.
Other names: c.1009G>T, p.Gly337Cys (NM_001281492.2); c.493G>T, p.Gly165Cys (NM_001281493.2, NM_001281494.2, NM_001406811.1 and 6 more transcripts); c.1495G>T, p.Gly499Cys (NM_001406795.1, NM_001406802.1); c.1399G>T, p.Gly467Cys (NM_001406796.1, NM_001406798.1, NM_001406800.1 and 4 more transcripts); c.1102G>T, p.Gly368Cys (NM_001406797.1, NM_001406801.1, NM_001406805.1 and 10 more transcripts); c.874G>T, p.Gly292Cys (NM_001406799.1, NM_001406806.1, NM_001406807.1); c.1321G>T, p.Gly441Cys (NM_001406804.1); c.1405G>T, p.Gly469Cys (NM_001406813.1); and 2 more; short protein forms G441C, G467C, G469C, G165C, G499C, G292C, G368C, G411C.
Identifiers: ClinVar variation 2567486 (VCV002567486.3), dbSNP rs1669327762, ClinGen allele CA346745160.